The following is an entry in ClinVar:

NM_005629.4(SLC6A8):c.1837G>A (p.Val613Ile)

Gene: SLC6A8 (solute carrier family 6 member 8; plus strand). Cytogenetic location: Xq28.
Variant type: single nucleotide variant.
Coding change: c.1837G>A on transcript NM_005629.4 (MANE Select); coding-DNA position 1837, G replaced by A.
Protein change: p.Val613Ile; replaces valine 613 with isoleucine.
Molecular consequence: missense variant.
Genome position (GRCh38, 1-based): chrX:153,695,143, G>A. VCF-style: chrX-153695143-G-A. GRCh37 (hg19) VCF-style: chrX-152960598-G-A.
Other names: c.1807G>A, p.Val603Ile (NM_001142805.2); c.1492G>A, p.Val498Ile (NM_001142806.1); short protein forms V498I, V603I, V613I.
Identifiers: ClinVar variation 4976433 (VCV004976433.1).
Genomic context (GRCh38, chrX:153,695,143, plus strand): 5'-CACCTGACCCAGCCCATCTGGGGCCTCCACCACTTGGAGTACCGAGCTCAGGACGCAGAT[G>A]TCAGGGGCCTGACCACCCTGACCCCAGTGTCCGAGAGCAGCAAGGTCGTCGTGGTGGAGA-3'
Protein context (NP_005620.1, residues 603-623): HLEYRAQDAD[Val613Ile]RGLTTLTPVS

ClinVar aggregate classification (germline): Uncertain significance (1 of 4 stars; one submission).

Submission:

GeneDx
Classification: Uncertain significance. Last evaluated: 2026-02-09. Review status: criteria provided, single submitter. Criteria: GeneDx Variant Classification Process June 2021. Collection method: clinical testing. Allele origin: germline.
Comment: Not observed at significant frequency in large population cohorts (gnomAD); In silico analysis suggests that this missense variant does not alter protein structure/function; Has not been previously published as pathogenic or benign to our knowledge